The following is an entry in ClinVar:

ClinVar aggregate classification (germline): Uncertain significance (1 of 4 stars; one submission).

Conditions:
Charcot-Marie-Tooth disease type 2. Also called: Charcot-Marie-Tooth type 2. Identifiers: Orphanet 64746, MedGen C0270914, MONDO:0018993.

Allele frequency attached by ClinVar (database versions not stated): gnomAD exomes below 0.00001; TOPMed below 0.00001; gnomAD 0.00001.
gnomAD v4.1: 2 of 1,611,612 alleles (0.00012%); highest among the groups gnomAD compares: Non-Finnish European, 0.00017%; no homozygotes.

Submission:

Labcorp Genetics (formerly Invitae), Labcorp
Classification: Uncertain significance for Charcot-Marie-Tooth disease type 2. Last evaluated: 2023-08-04. Review status: criteria provided, single submitter. Criteria: Invitae Variant Classification Sherloc (09022015). Collection method: clinical testing. Allele origin: germline.
Comment: In summary, the available evidence is currently insufficient to determine the role of this variant in disease. Therefore, it has been classified as a Variant of Uncertain Significance. Algorithms developed to predict the effect of sequence changes on RNA splicing suggest that this variant may disrupt the consensus splice site. ClinVar contains an entry for this variant (Variation ID: 1977810). This variant has not been reported in the literature in individuals affected with MED25-related conditions. This variant is not present in population databases (gnomAD no frequency). This sequence change affects a donor splice site in intron 11 of the MED25 gene. It is expected to disrupt RNA splicing. Variants that disrupt the donor or acceptor splice site typically lead to a loss of protein function (PMID: 16199547), however the current clinical and genetic evidence is not sufficient to establish whether loss-of-function variants in MED25 cause disease.

Literature cited by the submitters: PubMed 16199547.

NM_030973.4(MED25):c.1316+1G>A

Genes: MED25 (mediator complex subunit 25; plus strand), MIR6800 (microRNA 6800; plus strand). Cytogenetic location: 19q13.33.
Variant type: single nucleotide variant.
Coding change: c.1316+1G>A on transcript NM_030973.4 (MANE Select); the canonical splice donor site of the intron after coding-DNA position 1316, G replaced by A.
Molecular consequence: splice donor variant. On other transcripts: non-coding transcript variant (1).
Genome position (GRCh38, 1-based): chr19:49,832,022, G>A. VCF-style: chr19-49832022-G-A. GRCh37 (hg19) VCF-style: chr19-50335279-G-A.
Other names: c.1316+1G>A (NM_001378355.1).
Identifiers: ClinVar variation 1977810 (VCV001977810.5), dbSNP rs1413338874, ClinGen allele CA406916988.